The following is an entry in ClinVar:

ClinVar aggregate classification (germline): Uncertain significance. Review status: criteria provided, single submitter (1 of 4 stars). 2 submissions from 2 submitters: Uncertain significance (1). 1 of the submissions does not count toward it. Last evaluated 2024-01-22.

Conditions:
Neu-Laxova syndrome 2. Identifiers: Orphanet 2671, Orphanet 583602, MedGen C4015019, MONDO:0014466, OMIM 616038.

Allele frequency attached by ClinVar (database versions not stated): gnomAD 0.00001 and 0.00002; ExAC 0.00004; gnomAD exomes 0.00005; TOPMed 0.00005.
gnomAD v4.1: 27 of 1,614,016 alleles (0.0017%); highest among the groups gnomAD compares: Admixed American, 0.023%; no homozygotes.

Submissions (2):

Labcorp Genetics (formerly Invitae), Labcorp
Classification: Uncertain significance for Neu-Laxova syndrome 2. Last evaluated: 2024-01-22. Review status: criteria provided, single submitter. Criteria: Invitae Variant Classification Sherloc (09022015). Collection method: clinical testing. Allele origin: germline.
Comment: This sequence change replaces glycine, which is neutral and non-polar, with serine, which is neutral and polar, at codon 81 of the PSAT1 protein (p.Gly81Ser). This variant is present in population databases (rs745532660, gnomAD 0.03%). This variant has not been reported in the literature in individuals affected with PSAT1-related conditions. ClinVar contains an entry for this variant (Variation ID: 977026). Advanced modeling of protein sequence and biophysical properties (such as structural, functional, and spatial information, amino acid conservation, physicochemical variation, residue mobility, and thermodynamic stability) performed at Invitae indicates that this missense variant is not expected to disrupt PSAT1 protein function with a negative predictive value of 80%. Experimental studies have shown that this missense change does not substantially affect PSAT1 function (PMID: 32077105). In summary, the available evidence is currently insufficient to determine the role of this variant in disease. Therefore, it has been classified as a Variant of Uncertain Significance.

Dudley Research Group, Pacific Northwest Research Institute
No classification provided. Review status: no classification provided. Collection method: research, in vivo. Allele origin: unknown, not applicable. Functional consequence: functionally_normal. Not counted in ClinVar's aggregate classification.

Literature cited by the submitters: PubMed 32077105 (cited by Labcorp Genetics (formerly Invitae), Labcorp).

NM_058179.4(PSAT1):c.241G>A (p.Gly81Ser)

Gene: PSAT1 (phosphoserine aminotransferase 1; plus strand). Cytogenetic location: 9q21.2.
Variant type: single nucleotide variant.
Coding change: c.241G>A on transcript NM_058179.4 (MANE Select); coding-DNA position 241, G replaced by A.
Protein change: p.Gly81Ser; replaces glycine 81 with serine.
Molecular consequence: missense variant.
Genome position (GRCh38, 1-based): chr9:78,304,784, G>A. VCF-style: chr9-78304784-G-A. GRCh37 (hg19) VCF-style: chr9-80919700-G-A.
Other names: c.241G>A, p.Gly81Ser (NM_021154.5); short protein forms G81S.
Identifiers: ClinVar variation 977026 (VCV000977026.7), dbSNP rs745532660, ClinGen allele CA5095569.